The following is an entry in ClinVar:

NM_198253.3(TERT):c.2015G>T (p.Arg672Leu)

Gene: TERT (telomerase reverse transcriptase; minus strand). Cytogenetic location: 5p15.33.
Variant type: single nucleotide variant.
Coding change: c.2015G>T on transcript NM_198253.3 (MANE Select); coding-DNA position 2015, G replaced by T.
Protein change: p.Arg672Leu; replaces arginine 672 with leucine.
Molecular consequence: missense variant. On other transcripts: non-coding transcript variant (2).
Genome position (GRCh38, 1-based): chr5:1,279,406, C>A on the plus strand (G>T on the coding strand, the complement: TERT is on the minus strand). VCF-style: chr5-1279406-C-A. GRCh37 (hg19) VCF-style: chr5-1279521-C-A.
Other names: c.2015G>T, p.Arg672Leu (NM_001193376.3, NM_003219.1); short protein forms R672L.
Identifiers: ClinVar variation 3238537 (VCV003238537.2), dbSNP rs1353891039.
Genomic context (GRCh38, chr5:1,279,406, plus strand): 5'-GTGCGCCAGGCCCTGTGGATATCGTCCAGGCCCAGCACAGAGGCGCCCAGGAGGCCGGGG[C>A]GCCGCGCCCGCTCGTAGTTGAGCACGCTGAACAGTGCCTTCACCCTCGAGGTGAGACGCT-3'
Protein context (NP_937983.2, residues 662-682): FSVLNYERAR[Arg672Leu]PGLLGASVLG

ClinVar aggregate classification (germline): Uncertain significance. Review status: criteria provided, multiple submitters, no conflicts (2 of 4 stars). 2 submissions from 2 submitters: Uncertain significance (2). Last evaluated 2024-05-12.

Conditions:
Dyskeratosis congenita. Identifiers: Orphanet 1775, MedGen C0265965, MONDO:0015780.

gnomAD v4.1: 1 of 1,552,926 alleles (0.000064%); highest among the groups gnomAD compares: Non-Finnish European, 0.000087%; no homozygotes.

Submissions (2):

GeneDx
Classification: Uncertain significance. Last evaluated: 2024-05-12. Review status: criteria provided, single submitter. Criteria: GeneDx Variant Classification Process June 2021. Collection method: clinical testing. Allele origin: germline. Affected: yes.
Comment: Not observed at significant frequency in large population cohorts (gnomAD); In silico analysis supports that this missense variant has a deleterious effect on protein structure/function; Has not been previously published as pathogenic or benign to our knowledge

Ambry Genetics
Classification: Uncertain significance for Dyskeratosis congenita. Last evaluated: 2023-11-21. Review status: criteria provided, single submitter. Criteria: Ambry Variant Classification Scheme 2023. Collection method: clinical testing. Allele origin: germline.
Comment: The p.R672L variant (also known as c.2015G>T), located in coding exon 5 of the TERT gene, results from a G to T substitution at nucleotide position 2015. The arginine at codon 672 is replaced by leucine, an amino acid with dissimilar properties. This amino acid position is conserved. In addition, the in silico prediction for this alteration is inconclusive. Since supporting evidence is limited at this time, the clinical significance of this alteration remains unclear.